The following is an entry in ClinVar:

ClinVar aggregate classification (germline): Uncertain significance (1 of 4 stars; one submission).

Conditions:
Conotruncal heart malformations (CTHM). Also called: Conotruncal heart malformations, variable. Identifiers: Orphanet 2445, Orphanet 3384, Orphanet 3426, MedGen C1857586, MONDO:0016581, OMIM 217095.

Submission:

Labcorp Genetics (formerly Invitae), Labcorp
Classification: Uncertain significance for Conotruncal heart malformations. Last evaluated: 2023-08-10. Review status: criteria provided, single submitter. Criteria: Invitae Variant Classification Sherloc (09022015). Collection method: clinical testing. Allele origin: germline.
Comment: Advanced modeling of protein sequence and biophysical properties (such as structural, functional, and spatial information, amino acid conservation, physicochemical variation, residue mobility, and thermodynamic stability) performed at Invitae indicates that this missense variant is not expected to disrupt NKX2-6 protein function. ClinVar contains an entry for this variant (Variation ID: 1008180). This variant has not been reported in the literature in individuals affected with NKX2-6-related conditions. This variant is not present in population databases (gnomAD no frequency). This sequence change replaces histidine, which is basic and polar, with glutamine, which is neutral and polar, at codon 56 of the NKX2-6 protein (p.His56Gln). In summary, the available evidence is currently insufficient to determine the role of this variant in disease. Therefore, it has been classified as a Variant of Uncertain Significance.

NM_001136271.3(NKX2-6):c.168C>A (p.His56Gln)

Gene: NKX2-6 (NK2 homeobox 6; minus strand). Cytogenetic location: 8p21.2.
Variant type: single nucleotide variant.
Coding change: c.168C>A on transcript NM_001136271.3 (MANE Select); coding-DNA position 168, C replaced by A.
Protein change: p.His56Gln; replaces histidine 56 with glutamine.
Molecular consequence: missense variant.
Genome position (GRCh38, 1-based): chr8:23,706,431, G>T on the plus strand (C>A on the coding strand, the complement: NKX2-6 is on the minus strand). VCF-style: chr8-23706431-G-T. GRCh37 (hg19) VCF-style: chr8-23563944-G-T.
Other names: short protein forms H56Q.
Identifiers: ClinVar variation 1008180 (VCV001008180.5), dbSNP rs1801092012, ClinGen allele CA370603566.